The following is an entry in ClinVar:

NM_001080508.3(TBX18):c.299_310del (p.Cys100_Gly103del)

Gene: TBX18 (T-box transcription factor 18; minus strand). Cytogenetic location: 6q14.3.
Variant type: Deletion.
Coding change: c.299_310del on transcript NM_001080508.3 (MANE Select); coding-DNA positions 299 to 310, 12 bases deleted (GTGAGGACGGCT).
Protein change: p.Cys100_Gly103del.
Molecular consequence: inframe deletion.
Genome position (GRCh38, 1-based): chr6:84,762,731-84,762,742, AGCCGTCCTCAC deleted on the plus strand (GTGAGGACGGCT on the coding strand, the reverse complement: TBX18 is on the minus strand); deleting any 12 consecutive bases within chr6:84,762,731-84,762,747 gives the same sequence; the c. name uses the placement nearest the transcript's 3' end. VCF-style (leftmost placement, unchanged base first): chr6-84762730-AAGCCGTCCTCAC-A. GRCh37 (hg19) VCF-style: chr6-85472448-AAGCCGTCCTCAC-A.
Identifiers: ClinVar variation 1449674 (VCV001449674.7), dbSNP rs763752712, ClinGen allele CA3911129.

ClinVar aggregate classification (germline): Uncertain significance (1 of 4 stars; one submission).

Submission:

Labcorp Genetics (formerly Invitae), Labcorp
Classification: Uncertain significance. Last evaluated: 2025-07-05. Review status: criteria provided, single submitter. Criteria: Invitae Variant Classification Sherloc (09022015). Collection method: clinical testing. Allele origin: germline.
Comment: This variant, c.299_310del, results in the deletion of 4 amino acid(s) of the TBX18 protein (p.Cys100_Gly103del), but otherwise preserves the integrity of the reading frame. This variant is present in population databases (rs763752712, gnomAD 0.05%). This variant has not been reported in the literature in individuals affected with TBX18-related conditions. ClinVar contains an entry for this variant (Variation ID: 1449674). Experimental studies and prediction algorithms are not available or were not evaluated, and the functional significance of this variant is currently unknown. In summary, the available evidence is currently insufficient to determine the role of this variant in disease. Therefore, it has been classified as a Variant of Uncertain Significance.